The following is an entry in ClinVar:

NM_002474.3(MYH11):c.2383G>A (p.Ala795Thr)

Gene: MYH11 (myosin heavy chain 11; minus strand). Cytogenetic location: 16p13.11.
Variant type: single nucleotide variant.
Coding change: c.2383G>A on transcript NM_002474.3 (MANE Select); coding-DNA position 2383, G replaced by A.
Protein change: p.Ala795Thr; replaces alanine 795 with threonine.
Molecular consequence: missense variant.
Genome position (GRCh38, 1-based): chr16:15,747,598, C>T on the plus strand (G>A on the coding strand, the complement: MYH11 is on the minus strand). VCF-style: chr16-15747598-C-T. GRCh37 (hg19) VCF-style: chr16-15841455-C-T.
Other names: c.2404G>A, p.Ala802Thr (NM_001040113.2, NM_001040114.2); c.2383G>A, p.Ala795Thr (NM_022844.3); short protein forms A795T, A802T.
Identifiers: ClinVar variation 920022 (VCV000920022.4), dbSNP rs2041453117, ClinGen allele CA394867179.

ClinVar aggregate classification (germline): Uncertain significance (1 of 4 stars; one submission).

Conditions:
Familial thoracic aortic aneurysm and aortic dissection (TAAD). Also called: Thoracic aortic aneurysms and dissections. Identifiers: Orphanet 91387, MedGen C4707243, MONDO:0019625.

Submission:

Color Diagnostics, LLC DBA Color Health
Classification: Uncertain significance for Familial thoracic aortic aneurysm and aortic dissection. Last evaluated: 2024-03-06. Review status: criteria provided, single submitter. Criteria: ACMG Guidelines, 2015. Collection method: clinical testing. Allele origin: germline.
Comment: This missense variant replaces alanine with threonine at codon 802 of the MYH11 protein. Computational prediction tool suggests that this variant may have deleterious impact on protein structure and function (internally defined REVEL score threshold >=0.7, PMID: 27666373). Splice site prediction tools suggest that this variant may not impact RNA splicing. To our knowledge, functional studies have not been performed for this variant. This variant has not been reported in individuals affected with cardiovascular disorders in the literature. This variant has not been identified in the general population by the Genome Aggregation Database (gnomAD). The available evidence is insufficient to determine the role of this variant in disease conclusively. Therefore, this variant is classified as a Variant of Uncertain Significance.